The following is an entry in ClinVar:

ClinVar aggregate classification (germline): Uncertain significance (1 of 4 stars; one submission).

Conditions:
Loeys-Dietz syndrome 6. Identifiers: MedGen C5562041, MONDO:0030500, OMIM 619656.
Congenital heart defects, multiple types, 8, with or without heterotaxy. Identifiers: MedGen C5562042, MONDO:0859213, OMIM 619657.

Submission:

Juno Genomics, Hangzhou Juno Genomics, Inc
Classification: Uncertain significance for Congenital heart defects, multiple types, 8, with or without heterotaxy; Loeys-Dietz syndrome 6. Review status: criteria provided, single submitter. Criteria: ACMG Guidelines, 2015. Collection method: clinical testing. Allele origin: germline.
Comment: Absent from controls (or at extremely low frequency if recessive) in Genome Aggregation Database.;Missense variant in a gene that has a low rate of benign missense variation.

NM_005901.6(SMAD2):c.379A>C (p.Ile127Leu)

Gene: SMAD2 (SMAD family member 2; minus strand). Cytogenetic location: 18q21.1.
Variant type: single nucleotide variant.
Coding change: c.379A>C on transcript NM_005901.6 (MANE Select); coding-DNA position 379, A replaced by C.
Protein change: p.Ile127Leu; replaces isoleucine 127 with leucine.
Molecular consequence: missense variant.
Genome position (GRCh38, 1-based): chr18:47,869,384, T>G on the plus strand (A>C on the coding strand, the complement: SMAD2 is on the minus strand). VCF-style: chr18-47869384-T-G. GRCh37 (hg19) VCF-style: chr18-45395755-T-G.
Other names: c.379A>C, p.Ile127Leu (NM_001003652.4); c.289A>C, p.Ile97Leu (NM_001135937.3); short protein forms I127L, I97L.
Identifiers: ClinVar variation 5005889 (VCV005005889.2).